The following is an entry in ClinVar:

ClinVar aggregate classification (germline): Benign/Likely benign. Review status: criteria provided, multiple submitters, no conflicts (2 of 4 stars). 10 submissions from 9 submitters: Benign (1); Likely benign (9). Last evaluated 2026-04-20.

Conditions:
Autosomal dominant cerebellar ataxia. Also called: Spinocerebellar Ataxia, Dominant. Identifiers: Orphanet 99, MedGen C4087347, MONDO:0020380.
Inborn genetic diseases. Identifiers: MedGen C0950123, MeSH D030342.
Charcot-Marie-Tooth disease. Also called: Charcot-Marie-Tooth Neuropathy; Charcot-Marie-Tooth Hereditary Neuropathy. Identifiers: Orphanet 166, MedGen C0007959, MONDO:0015626.
Charcot-Marie-Tooth disease axonal type 2O. Also called: Charcot-Marie-Tooth Neuropathy Type 2O; Charcot-Marie-Tooth disease, axonal, type 20; CHARCOT-MARIE-TOOTH NEUROPATHY, AXONAL, TYPE 2O; CHARCOT-MARIE-TOOTH DISEASE, AXONAL, AUTOSOMAL DOMINANT, TYPE 2O. Identifiers: Orphanet 284232, MedGen C3280220, MONDO:0013644, OMIM 614228.

Allele frequency attached by ClinVar (database versions not stated): 1000 Genomes Project 30x 0.00016; TOPMed 0.00018; 1000 Genomes Project 0.00020; gnomAD exomes 0.00020 and 0.00031; gnomAD 0.00021 and 0.00023; ExAC 0.00022; ESP Exome Variant Server 0.00023.
gnomAD v4.1: 487 of 1,613,022 alleles (0.03%); highest among the groups gnomAD compares: Non-Finnish European, 0.039%; no homozygotes.

Submissions (10):

Women's Health and Genetics/Laboratory Corporation of America, LabCorp
Classification: Benign. Last evaluated: 2026-04-20. Review status: criteria provided, single submitter. Criteria: LabCorp Variant Classification Summary - May 2015. Collection method: clinical testing. Allele origin: germline.

CeGaT Center for Human Genetics Tuebingen
Classification: Likely benign. Last evaluated: 2026-03-01. Review status: criteria provided, single submitter. Criteria: CeGaT Center For Human Genetics Tuebingen Variant Classification Criteria Version 2. Collection method: clinical testing. Allele origin: germline. Affected: yes. Observed: 2 variant alleles.
Comment: DYNC1H1: BP4, BP7

Labcorp Genetics (formerly Invitae), Labcorp
Classification: Likely benign for Charcot-Marie-Tooth disease axonal type 2O. Last evaluated: 2026-01-18. Review status: criteria provided, single submitter. Criteria: Invitae Variant Classification Sherloc (09022015). Collection method: clinical testing. Allele origin: germline.

Mayo Clinic Laboratories, Mayo Clinic
Classification: Likely benign. Last evaluated: 2025-11-02. Review status: criteria provided, single submitter. Criteria: ACMG Guidelines, 2015. Collection method: clinical testing. Allele origin: germline. Observed: 1 variant allele.
Comment: BS2, BP4, BP7

Blueprint Genetics
Classification: Likely benign. Last evaluated: 2024-09-27. Review status: criteria provided, single submitter. Criteria: ACMG Guidelines, 2015. Collection method: clinical testing. Allele origin: germline.

GeneDx
Classification: Likely benign. Last evaluated: 2021-04-29. Review status: criteria provided, single submitter. Criteria: GeneDx Variant Classification Process June 2021. Collection method: clinical testing. Allele origin: germline. Affected: yes.

Illumina Laboratory Services, Illumina
Classification: Likely benign for Charcot-Marie-Tooth disease axonal type 2O. Last evaluated: 2018-01-12. Review status: criteria provided, single submitter. Criteria: ICSL Variant Classification Criteria 13 December 2019. Collection method: clinical testing. Allele origin: germline.
Comment: This variant was observed in the ICSL laboratory as part of a predisposition screen in an ostensibly healthy population. It had not been previously curated by ICSL or reported in the Human Gene Mutation Database (HGMD: prior to June 1st, 2018), and was therefore a candidate for classification through an automated scoring system. Utilizing variant allele frequency, disease prevalence and penetrance estimates, and inheritance mode, an automated score was calculated to assess if this variant is too frequent to cause the disease. Based on the score and internal cut-off values, a variant classified as likely benign is not then subjected to further curation. The score for this variant resulted in a classification of likely benign for this disease.

Illumina Laboratory Services, Illumina
Classification: Likely benign for Spinocerebellar Ataxia, Dominant. Last evaluated: 2018-01-12. Review status: criteria provided, single submitter. Criteria: ICSL Variant Classification Criteria 13 December 2019. Collection method: clinical testing. Allele origin: germline.
Comment: the same text as in the submission from Illumina Laboratory Services, Illumina above.

Ambry Genetics
Classification: Likely benign for Inborn genetic diseases. Last evaluated: 2017-02-16. Review status: criteria provided, single submitter. Criteria: Ambry Variant Classification Scheme 2023. Collection method: clinical testing. Allele origin: germline.

Molecular Genetics Laboratory, London Health Sciences Centre
Classification: Likely benign for Charcot-Marie-Tooth disease. Review status: criteria provided, single submitter. Criteria: ACMG Guidelines, 2015. Collection method: clinical testing. Allele origin: germline. Affected: yes.

NM_001376.5(DYNC1H1):c.13149C>T (p.Thr4383=)

Gene: DYNC1H1 (dynein cytoplasmic 1 heavy chain 1; plus strand). Cytogenetic location: 14q32.31.
Variant type: single nucleotide variant.
Coding change: c.13149C>T on transcript NM_001376.5 (MANE Select); coding-DNA position 13149, C replaced by T.
Protein change: p.Thr4383=; no amino-acid change (threonine 4383 retained).
Molecular consequence: synonymous variant.
Genome position (GRCh38, 1-based): chr14:102,047,959, C>T. VCF-style: chr14-102047959-C-T. GRCh37 (hg19) VCF-style: chr14-102514296-C-T.
Other names: p.Thr4383=.
Identifiers: ClinVar variation 312660 (VCV000312660.32), dbSNP rs375767483, ClinGen allele CA7354154.